The following is an entry in ClinVar:

NM_000256.3(MYBPC3):c.1919C>A (p.Pro640His)

Gene: MYBPC3 (myosin binding protein C3; minus strand). Cytogenetic location: 11p11.2.
Variant type: single nucleotide variant.
Coding change: c.1919C>A on transcript NM_000256.3 (MANE Select); coding-DNA position 1919, C replaced by A.
Protein change: p.Pro640His; replaces proline 640 with histidine.
Molecular consequence: missense variant.
Genome position (GRCh38, 1-based): chr11:47,341,011, G>T on the plus strand (C>A on the coding strand, the complement: MYBPC3 is on the minus strand). VCF-style: chr11-47341011-G-T. GRCh37 (hg19) VCF-style: chr11-47362562-G-T.
Other names: short protein forms P640H.
Identifiers: ClinVar variation 1802249 (VCV001802249.5), dbSNP rs755244836, ClinGen allele CA380323266.

ClinVar aggregate classification (germline): Uncertain significance. Review status: criteria provided, multiple submitters, no conflicts (2 of 4 stars). 2 submissions from 2 submitters: Uncertain significance (2). Last evaluated 2024-12-02.

Conditions:
Hypertrophic cardiomyopathy. Also called: HYPERTROPHIC MYOCARDIOPATHY. Identifiers: Orphanet 217569, MedGen C0007194, MeSH D002312, MONDO:0005045, HP:0001639.
Left ventricular noncompaction 10 (LVNC10). Identifiers: Orphanet 154, Orphanet 54260, MedGen C3715165, MONDO:0014163, OMIM 615396.

Submissions (2):

Labcorp Genetics (formerly Invitae), Labcorp
Classification: Uncertain significance for Hypertrophic cardiomyopathy. Last evaluated: 2024-12-02. Review status: criteria provided, single submitter. Criteria: Invitae Variant Classification Sherloc (09022015). Collection method: clinical testing. Allele origin: germline.
Comment: This sequence change replaces proline, which is neutral and non-polar, with histidine, which is basic and polar, at codon 640 of the MYBPC3 protein (p.Pro640His). This variant is not present in population databases (gnomAD no frequency). This variant has not been reported in the literature in individuals affected with MYBPC3-related conditions. ClinVar contains an entry for this variant (Variation ID: 1802249). An algorithm developed to predict the effect of missense changes on protein structure and function (PolyPhen-2) suggests that this variant is likely to be disruptive. In summary, the available evidence is currently insufficient to determine the role of this variant in disease. Therefore, it has been classified as a Variant of Uncertain Significance.

Diagnostics Services (NGS), CSIR - Centre For Cellular And Molecular Biology
Classification: Uncertain significance for Left ventricular noncompaction 10. Last evaluated: 2022-09-08. Review status: criteria provided, single submitter. Criteria: ACMG Guidelines, 2015. Collection method: clinical testing. Allele origin: unknown. Affected: yes. Observed: 1 variant allele, 1 heterozygote.
Comment: The c.1919C>A variant is not present in publicly available population databases like 1000 Genomes, EVS, ExAC, gnomAD and Indian Exome Database. The variant is also not present in our in-house exome database. This variant has neither been published in literature nor reported to the ClinVar, Human Genome Mutation Database (HGMD) and OMIM databases. In-silico pathogenicity prediction programs like SIFT, Polyphen-2, MutationTaster2, CADD etc. predicted this variant to be likely deleterious, however these predictions were not confirmed by any published functional studies.